The following is an entry in ClinVar:

ClinVar aggregate classification (germline): Conflicting classifications of pathogenicity. Review status: criteria provided, conflicting classifications (1 of 4 stars). 4 submissions from 4 submitters: Uncertain significance (3); Likely benign (1). Last evaluated 2025-10-06.

Conditions:
Hypertrophic cardiomyopathy 14. Identifiers: MedGen C2750467, MONDO:0013197, OMIM 613251.
Cardiovascular phenotype. Identifiers: MedGen CN230736.

Allele frequency attached by ClinVar (database versions not stated): gnomAD exomes below 0.00001 and 0.00001; ExAC 0.00001; gnomAD 0.00001; TOPMed 0.00003.

Submissions (4):

Ambry Genetics
Classification: Uncertain significance for Cardiovascular phenotype. Last evaluated: 2025-10-06. Review status: criteria provided, single submitter. Criteria: Ambry Variant Classification Scheme 2023. Collection method: clinical testing. Allele origin: germline.
Comment: The p.A1203T variant (also known as c.3607G>A), located in coding exon 24 of the MYH6 gene, results from a G to A substitution at nucleotide position 3607. The alanine at codon 1203 is replaced by threonine, an amino acid with similar properties. This amino acid position is well conserved in available vertebrate species. In addition, this alteration is predicted to be tolerated by in silico analysis. Based on the available evidence, the clinical significance of this variant remains unclear.

Labcorp Genetics (formerly Invitae), Labcorp
Classification: Uncertain significance for Hypertrophic cardiomyopathy 14. Last evaluated: 2025-07-27. Review status: criteria provided, single submitter. Criteria: Invitae Variant Classification Sherloc (09022015). Collection method: clinical testing. Allele origin: germline.
Comment: This sequence change replaces alanine, which is neutral and non-polar, with threonine, which is neutral and polar, at codon 1203 of the MYH6 protein (p.Ala1203Thr). This variant is present in population databases (rs753047012, gnomAD 0.01%). This variant has not been reported in the literature in individuals affected with MYH6-related conditions. ClinVar contains an entry for this variant (Variation ID: 1315293). Invitae Evidence Modeling of protein sequence and biophysical properties (such as structural, functional, and spatial information, amino acid conservation, physicochemical variation, residue mobility, and thermodynamic stability) indicates that this missense variant is not expected to disrupt MYH6 protein function with a negative predictive value of 80%. In summary, the available evidence is currently insufficient to determine the role of this variant in disease. Therefore, it has been classified as a Variant of Uncertain Significance.

GeneDx
Classification: Uncertain significance. Last evaluated: 2024-04-25. Review status: criteria provided, single submitter. Criteria: GeneDx Variant Classification Process June 2021. Collection method: clinical testing. Allele origin: germline. Affected: yes.
Comment: Has not been previously published as pathogenic or benign to our knowledge; Not observed at significant frequency in large population cohorts (gnomAD); In silico analysis supports that this missense variant has a deleterious effect on protein structure/function

Blueprint Genetics
Classification: Likely benign. Last evaluated: 2017-06-28. Review status: criteria provided, single submitter. Criteria: ACMG Guidelines, 2015. Collection method: clinical testing. Allele origin: germline.

NM_002471.4(MYH6):c.3607G>A (p.Ala1203Thr)

Gene: MYH6 (myosin heavy chain 6; minus strand). Cytogenetic location: 14q11.2.
Variant type: single nucleotide variant.
Coding change: c.3607G>A on transcript NM_002471.4 (MANE Select); coding-DNA position 3607, G replaced by A.
Protein change: p.Ala1203Thr; replaces alanine 1203 with threonine.
Molecular consequence: missense variant.
Genome position (GRCh38, 1-based): chr14:23,390,182, C>T on the plus strand (G>A on the coding strand, the complement: MYH6 is on the minus strand). VCF-style: chr14-23390182-C-T. GRCh37 (hg19) VCF-style: chr14-23859391-C-T.
Other names: short protein forms A1203T.
Identifiers: ClinVar variation 1315293 (VCV001315293.8), dbSNP rs753047012, ClinGen allele CA7115125.